The following is an entry in ClinVar:

ClinVar aggregate classification (germline): Uncertain significance (1 of 4 stars; one submission).

Conditions:
SIM1-related disorder. Also called: SIM1-related disorders; SIM1-related condition.

gnomAD v4.1: 8 of 1,613,688 alleles (0.0005%); highest among the groups gnomAD compares: Admixed American, 0.0017%; no homozygotes.

Submission:

PreventionGenetics, part of Exact Sciences
Classification: Uncertain significance for SIM1-related condition. Last evaluated: 2026-03-09. Review status: criteria provided, single submitter. Criteria: ACMG Guidelines, 2015. Collection method: clinical testing. Allele origin: germline.
Comment: The SIM1 c.131G>A variant is predicted to result in the amino acid substitution p.Arg44Lys. To our knowledge, this variant has not been reported in the literature. This variant is reported in 0.0029% of alleles in individuals of Latino descent in gnomAD. At this time, the clinical significance of this variant is uncertain due to the absence of conclusive functional and genetic evidence.

NM_005068.3(SIM1):c.131G>A (p.Arg44Lys)

Gene: SIM1 (SIM bHLH transcription factor 1; minus strand). Cytogenetic location: 6q16.3.
Variant type: single nucleotide variant.
Coding change: c.131G>A on transcript NM_005068.3 (MANE Select); coding-DNA position 131, G replaced by A.
Protein change: p.Arg44Lys; replaces arginine 44 with lysine.
Molecular consequence: missense variant.
Genome position (GRCh38, 1-based): chr6:100,463,338, C>T on the plus strand (G>A on the coding strand, the complement: SIM1 is on the minus strand). VCF-style: chr6-100463338-C-T. GRCh37 (hg19) VCF-style: chr6-100911214-C-T.
Other names: c.131G>A, p.Arg44Lys (NM_001374769.1); short protein forms R44K.
Identifiers: ClinVar variation 4991073 (VCV004991073.1).